The following is an entry in ClinVar:

NM_006258.4(PRKG1):c.1307T>C (p.Ile436Thr)

Gene: PRKG1 (protein kinase cGMP-dependent 1; plus strand). Cytogenetic location: 10q21.1.
Variant type: single nucleotide variant.
Coding change: c.1307T>C on transcript NM_006258.4 (MANE Select); coding-DNA position 1307, T replaced by C.
Protein change: p.Ile436Thr; replaces isoleucine 436 with threonine.
Molecular consequence: missense variant.
Genome position (GRCh38, 1-based): chr10:52,271,483, T>C. VCF-style: chr10-52271483-T-C. GRCh37 (hg19) VCF-style: chr10-54031243-T-C.
Other names: c.1262T>C, p.Ile421Thr (NM_001098512.3); c.98T>C, p.Ile33Thr (NM_001374781.1); short protein forms I33T, I421T, I436T.
Identifiers: ClinVar variation 3425424 (VCV003425424.3).

ClinVar aggregate classification (germline): Uncertain significance. Review status: criteria provided, multiple submitters, no conflicts (2 of 4 stars). 2 submissions from 2 submitters: Uncertain significance (2). Last evaluated 2026-01-05.

Conditions:
Familial thoracic aortic aneurysm and aortic dissection (TAAD). Also called: Thoracic aortic aneurysms and dissections. Identifiers: Orphanet 91387, MedGen C4707243, MONDO:0019625.
Aortic aneurysm, familial thoracic 8 (AAT8). Identifiers: MedGen C3809513, MONDO:0014187, OMIM 615436.

gnomAD v4.1: 6 of 1,612,300 alleles (0.00037%); highest among the groups gnomAD compares: Middle Eastern, 0.017%; no homozygotes.

Submissions (2):

Labcorp Genetics (formerly Invitae), Labcorp
Classification: Uncertain significance for Aortic aneurysm, familial thoracic 8. Last evaluated: 2026-01-05. Review status: criteria provided, single submitter. Criteria: Invitae Variant Classification Sherloc (09022015). Collection method: clinical testing. Allele origin: germline.
Comment: This sequence change replaces isoleucine, which is neutral and non-polar, with threonine, which is neutral and polar, at codon 436 of the PRKG1 protein (p.Ile436Thr). This variant is present in population databases (rs375281027, gnomAD 0.002%). This variant has not been reported in the literature in individuals affected with PRKG1-related conditions. ClinVar contains an entry for this variant (Variation ID: 3425424). An algorithm developed to predict the effect of missense changes on protein structure and function (PolyPhen-2) suggests that this variant is likely to be disruptive. In summary, the available evidence is currently insufficient to determine the role of this variant in disease. Therefore, it has been classified as a Variant of Uncertain Significance.

Ambry Genetics
Classification: Uncertain significance for Familial thoracic aortic aneurysm and aortic dissection. Last evaluated: 2024-09-11. Review status: criteria provided, single submitter. Criteria: Ambry Variant Classification Scheme 2023. Collection method: clinical testing. Allele origin: germline.
Comment: The p.I436T variant (also known as c.1307T>C), located in coding exon 11 of the PRKG1 gene, results from a T to C substitution at nucleotide position 1307. The isoleucine at codon 436 is replaced by threonine, an amino acid with similar properties. This amino acid position is conserved. In addition, the in silico prediction for this alteration is inconclusive. Based on the available evidence, the clinical significance of this variant remains unclear.